The following is an entry in ClinVar:

ClinVar aggregate classification (germline): Uncertain significance (1 of 4 stars; one submission).

Conditions:
Cole-Carpenter syndrome 2 (CLCRP2). Identifiers: Orphanet 2050, MedGen C4225382, MONDO:0014573, OMIM 616294.

Submission:

Clinical Genetics and Genomics, Karolinska University Hospital
Classification: Uncertain significance for Cole-Carpenter syndrome 2. Last evaluated: 2024-09-10. Review status: criteria provided, single submitter. Criteria: ACMG Guidelines, 2015. Collection method: clinical testing. Allele origin: germline. Affected: yes.
Comment: The variant meets our criteria to be classified as a variant of unknown significance based on PM2, PM3. Our hypothesis is that this variant creates a novel start codon in the 5'UTR.

NM_014822.4(SEC24D):c.-167C>T

Genes: SEC24D (SEC24 homolog D, COPII coat complex component; minus strand), LOC121725182 (Sharpr-MPRA regulatory region 11880; plus strand). Cytogenetic location: 4q26.
Variant type: single nucleotide variant.
Coding change: c.-167C>T on transcript NM_014822.4 (MANE Select); 167 bases upstream of the start codon, C replaced by T.
Molecular consequence: 5 prime UTR variant.
Genome position (GRCh38, 1-based): chr4:118,836,066, G>A on the plus strand (C>T on the coding strand, the complement: SEC24D is on the minus strand). VCF-style: chr4-118836066-G-A. GRCh37 (hg19) VCF-style: chr4-119757221-G-A.
Other names: c.-167C>T (NM_001318066.2).
Identifiers: ClinVar variation 3363159 (VCV003363159.1).